The following is an entry in ClinVar:

NM_000516.7(GNAS):c.121C>G (p.His41Asp)

Gene: GNAS (GNAS complex locus; plus strand). Cytogenetic location: 20q13.32.
Variant type: single nucleotide variant.
Coding change: c.121C>G on transcript NM_000516.7 (MANE Select); coding-DNA position 121, C replaced by G.
Protein change: p.His41Asp; replaces histidine 41 with aspartic acid.
Molecular consequence: missense variant. On other transcripts: intron variant (11).
Genome position (GRCh38, 1-based): chr20:58,891,847, C>G. VCF-style: chr20-58891847-C-G. GRCh37 (hg19) VCF-style: chr20-57466902-C-G.
Other names: c.121C>G, p.His41Asp (NM_001077488.5, NM_001077489.4, NM_001309842.2 and 1 more transcripts); c.*43-3765C>G (NM_016592.5); c.44-3765C>G (NM_001410912.1); c.-38-3765C>G (NM_001309861.2); c.*1-3765C>G (NM_001077490.3); c.2069-3765C>G (NM_080425.4, NM_001410913.1); c.*159-3765C>G (NM_001309883.1); c.-39+2494C>G (NM_001438273.1, NM_001309840.2); and 1 more; short protein forms H41D.
Identifiers: ClinVar variation 4994452 (VCV004994452.1).
Genomic context (GRCh38, chr20:58,891,847, plus strand): 5'-GAGGCCAACAAAAAGATCGAGAAGCAGCTGCAGAAGGACAAGCAGGTCTACCGGGCCACG[C>G]ACCGCCTGCTGCTGCTGGGTAAGGGCGGGCGGGGGGCGCCGGCCCCGGCCCGGGGGCCCT-3'
Protein context (NP_000507.1, residues 31-51): QKDKQVYRAT[His41Asp]RLLLLGAGES

ClinVar aggregate classification (germline): Uncertain significance (1 of 4 stars; one submission).

Conditions:
GNAS-related disorder. Identifiers: MedGen CN380105.

Submission:

PreventionGenetics, part of Exact Sciences
Classification: Uncertain significance for GNAS-related condition. Last evaluated: 2026-05-18. Review status: criteria provided, single submitter. Criteria: ACMG Guidelines, 2015. Collection method: clinical testing. Allele origin: germline.
Comment: The GNAS c.121C>G variant is predicted to result in the amino acid substitution p.His41Asp. This variant was previously reported in an individual with pseudohypoparathyroidism; the variant was also detected in their affected mother (Li et al. 2023. PubMed ID: 36584997). This variant is absent from one large population database (gnomAD), indicating this variant is rare. At this time, the clinical significance of this variant is uncertain due to the absence of conclusive functional and genetic evidence.